The following is an entry in ClinVar:

ClinVar aggregate classification (germline): Benign. Review status: criteria provided, multiple submitters, no conflicts (2 of 4 stars). 2 submissions from 2 submitters: Benign (2). Last evaluated 2018-01-12.

Conditions:
Atypical hemolytic-uremic syndrome with thrombomodulin anomaly. Also called: HEMOLYTIC UREMIC SYNDROME, ATYPICAL, SUSCEPTIBILITY TO, 6; AHUS, SUSCEPTIBILITY TO, 6. Identifiers: MedGen C2752036, MONDO:0013044, OMIM 612926. Disease mechanism: gain of function.

Allele frequency attached by ClinVar (database versions not stated): TOPMed 0.74561; gnomAD 0.75190 and 0.75737; 1000 Genomes Project 30x 0.76952; 1000 Genomes Project 0.77596; gnomAD exomes 1.00000.

Submissions (2):

Illumina Laboratory Services, Illumina
Classification: Benign for Atypical hemolytic-uremic syndrome with thrombomodulin anomaly. Last evaluated: 2018-01-12. Review status: criteria provided, single submitter. Criteria: ICSL Variant Classification Criteria 13 December 2019. Collection method: clinical testing. Allele origin: germline.
Comment: This variant was observed in the ICSL laboratory as part of a predisposition screen in an ostensibly healthy population. It had not been previously curated by ICSL or reported in the Human Gene Mutation Database (HGMD: prior to June 1st, 2018), and was therefore a candidate for classification through an automated scoring system. Utilizing variant allele frequency, disease prevalence and penetrance estimates, and inheritance mode, an automated score was calculated to assess if this variant is too frequent to cause the disease. Based on the score and internal cut-off values, a variant classified as benign is not then subjected to further curation. The score for this variant resulted in a classification of benign for this disease.

Breakthrough Genomics
Classification: Benign. Review status: criteria provided, single submitter. Criteria: ACMG Guidelines, 2015. Collection method: not provided. Allele origin: germline. Inheritance: Autosomal dominant inheritance. Affected: yes.

NM_000361.3(THBD):c.*1918G>A

Gene: THBD (thrombomodulin; minus strand). Cytogenetic location: 20p11.21.
Variant type: single nucleotide variant.
Coding change: c.*1918G>A on transcript NM_000361.3 (MANE Select); 1918 bases downstream of the stop codon, G replaced by A.
Molecular consequence: 3 prime UTR variant.
Genome position (GRCh38, 1-based): chr20:23,045,859, C>T on the plus strand (G>A on the coding strand, the complement: THBD is on the minus strand). VCF-style: chr20-23045859-C-T. GRCh37 (hg19) VCF-style: chr20-23026496-C-T.
Identifiers: ClinVar variation 337852 (VCV000337852.6), dbSNP rs1962, ClinGen allele CA10643557.
Genomic context (GRCh38, chr20:23,045,859, plus strand): 5'-TCATTCTACAGTGAAAATAATAGCCTCTGGAAAAAGCTTTGAAAATCAGAGATGGTGCCA[C>T]CACCAGACAACACAAGTGCTGGGGTACAGGGCAGCCCTCCATGCATCTCATAGCATTTGC-3'